The following is an entry in ClinVar:

ClinVar aggregate classification (germline): Uncertain significance. Review status: criteria provided, multiple submitters, no conflicts (2 of 4 stars). 2 submissions from 2 submitters: Uncertain significance (2). Last evaluated 2023-09-01.

Conditions:
Inborn genetic diseases. Identifiers: MedGen C0950123, MeSH D030342.

Allele frequency attached by ClinVar (database versions not stated): gnomAD exomes 0.00001 and 0.00005; TOPMed 0.00001; gnomAD 0.00002; ExAC 0.00003.
gnomAD v4.1: 16 of 1,602,316 alleles (0.001%); highest among the groups gnomAD compares: East Asian, 0.034%; no homozygotes.

Submissions (2):

Labcorp Genetics (formerly Invitae), Labcorp
Classification: Uncertain significance. Last evaluated: 2023-09-01. Review status: criteria provided, single submitter. Criteria: Invitae Variant Classification Sherloc (09022015). Collection method: clinical testing. Allele origin: germline.
Comment: In summary, the available evidence is currently insufficient to determine the role of this variant in disease. Therefore, it has been classified as a Variant of Uncertain Significance. Advanced modeling of protein sequence and biophysical properties (such as structural, functional, and spatial information, amino acid conservation, physicochemical variation, residue mobility, and thermodynamic stability) has been performed at Invitae for this missense variant, however the output from this modeling did not meet the statistical confidence thresholds required to predict the impact of this variant on SI protein function. ClinVar contains an entry for this variant (Variation ID: 1463433). This variant has not been reported in the literature in individuals affected with SI-related conditions. This variant is present in population databases (rs568842900, gnomAD 0.07%). This sequence change replaces methionine, which is neutral and non-polar, with isoleucine, which is neutral and non-polar, at codon 539 of the SI protein (p.Met539Ile).

Ambry Genetics
Classification: Uncertain significance for Inborn genetic diseases. Last evaluated: 2023-02-16. Review status: criteria provided, single submitter. Criteria: Ambry Variant Classification Scheme 2023. Collection method: clinical testing. Allele origin: germline.

NM_001041.4(SI):c.1617G>A (p.Met539Ile)

Gene: SI (sucrase-isomaltase; minus strand). Cytogenetic location: 3q26.1.
Variant type: single nucleotide variant.
Coding change: c.1617G>A on transcript NM_001041.4 (MANE Select); coding-DNA position 1617, G replaced by A.
Protein change: p.Met539Ile; replaces methionine 539 with isoleucine.
Molecular consequence: missense variant.
Genome position (GRCh38, 1-based): chr3:165,049,225, C>T on the plus strand (G>A on the coding strand, the complement: SI is on the minus strand). VCF-style: chr3-165049225-C-T. GRCh37 (hg19) VCF-style: chr3-164767013-C-T.
Other names: c.1617G>A (NM_001041.3); short protein forms M539I.
Identifiers: ClinVar variation 1463433 (VCV001463433.7), dbSNP rs568842900, ClinGen allele CA2691000.
Genomic context (GRCh38, chr3:165,049,225, plus strand): 5'-ATGAACATCATACTGTTTACCCCAGTTCTGCACAGCATCCATGCAAATTGTTTTGGAATA[C>T]ATGAGTTTGTCAAGAATATCTTTGAGAAAATACATAAGAAACATTTCTTATATTTTTCCA-3'
Protein context (NP_001032.2, residues 529-549): PFTPDILDKL[Met539Ile]YSKTICMDAV